The following is an entry in ClinVar:

ClinVar aggregate classification (germline): Uncertain significance (1 of 4 stars; one submission).

gnomAD v4.1: 1 of 1,613,778 alleles (0.000062%); highest among the groups gnomAD compares: South Asian, 0.0011%; no homozygotes.

Submission:

Labcorp Genetics (formerly Invitae), Labcorp
Classification: Uncertain significance. Last evaluated: 2025-02-10. Review status: criteria provided, single submitter. Criteria: Invitae Variant Classification Sherloc (09022015). Collection method: clinical testing. Allele origin: germline.
Comment: This sequence change replaces isoleucine, which is neutral and non-polar, with methionine, which is neutral and non-polar, at codon 1726 of the MPDZ protein (p.Ile1726Met). This variant is not present in population databases (gnomAD no frequency). This variant has not been reported in the literature in individuals affected with MPDZ-related conditions. An algorithm developed to predict the effect of missense changes on protein structure and function (PolyPhen-2) suggests that this variant is likely to be tolerated. In summary, the available evidence is currently insufficient to determine the role of this variant in disease. Therefore, it has been classified as a Variant of Uncertain Significance.

NM_001378778.1(MPDZ):c.5178T>G (p.Ile1726Met)

Gene: MPDZ (multiple PDZ domain crumbs cell polarity complex component; minus strand). Cytogenetic location: 9p23.
Variant type: single nucleotide variant.
Coding change: c.5178T>G on transcript NM_001378778.1 (MANE Select); coding-DNA position 5178, T replaced by G.
Protein change: p.Ile1726Met; replaces isoleucine 1726 with methionine.
Molecular consequence: missense variant.
Genome position (GRCh38, 1-based): chr9:13,121,792, A>C on the plus strand (T>G on the coding strand, the complement: MPDZ is on the minus strand). VCF-style: chr9-13121792-A-C. GRCh37 (hg19) VCF-style: chr9-13121791-A-C.
Other names: c.5079T>G, p.Ile1693Met (NM_001261406.2, NM_001261407.2, NM_001375416.1 and 3 more transcripts); c.5178T>G, p.Ile1726Met (NM_001330637.2, NM_003829.5); c.5277T>G, p.Ile1759Met (NM_001375413.1); c.4968T>G, p.Ile1656Met (NM_001375420.1, NM_001375421.1, NM_001375422.1 and 4 more transcripts); c.4770T>G, p.Ile1590Met (NM_001375427.1); short protein forms I1590M, I1693M, I1726M, I1759M, I1656M.
Identifiers: ClinVar variation 4711932 (VCV004711932.1).